The following is an entry in ClinVar:

ClinVar aggregate classification (germline): Uncertain significance (1 of 4 stars; one submission).

gnomAD v4.1: 2 of 1,614,130 alleles (0.00012%); highest among the groups gnomAD compares: Non-Finnish European, 0.00017%; no homozygotes.

Submission:

Ambry Genetics
Classification: Uncertain significance. Last evaluated: 2025-08-19. Review status: criteria provided, single submitter. Criteria: Ambry Variant Classification Scheme 2023. Collection method: clinical testing. Allele origin: germline.
Comment: The p.K264E variant (also known as c.790A>G), located in coding exon 1 of the CDK12 gene, results from an A to G substitution at nucleotide position 790. The lysine at codon 264 is replaced by glutamic acid, an amino acid with similar properties. This amino acid position is conserved. In addition, this alteration is predicted to be tolerated by in silico analysis. Based on the available evidence, the clinical significance of this variant remains unclear.

NM_016507.4(CDK12):c.790A>G (p.Lys264Glu)

Genes: CDK12 (cyclin dependent kinase 12; plus strand), LOC126862553 (CDK7 strongly-dependent group 2 enhancer GRCh37_chr17:37618166-37619365; plus strand). Cytogenetic location: 17q12.
Variant type: single nucleotide variant.
Coding change: c.790A>G on transcript NM_016507.4 (MANE Select); coding-DNA position 790, A replaced by G.
Protein change: p.Lys264Glu; replaces lysine 264 with glutamic acid.
Molecular consequence: missense variant.
Genome position (GRCh38, 1-based): chr17:39,462,861, A>G. VCF-style: chr17-39462861-A-G. GRCh37 (hg19) VCF-style: chr17-37619114-A-G.
Other names: c.790A>G, p.Lys264Glu (NM_015083.4); short protein forms K264E.
Identifiers: ClinVar variation 4224404 (VCV004224404.1).